The following is an entry in ClinVar:

ClinVar aggregate classification (germline): Pathogenic (1 of 4 stars; one submission).

Allele frequency attached by ClinVar (database versions not stated): gnomAD exomes below 0.00001; TOPMed below 0.00001.
gnomAD v4.1: 1 of 1,591,072 alleles (0.000063%); highest among the groups gnomAD compares: Non-Finnish European, 0.000085%; no homozygotes.

Submission:

Labcorp Genetics (formerly Invitae), Labcorp
Classification: Pathogenic. Last evaluated: 2025-04-17. Review status: criteria provided, single submitter. Criteria: Invitae Variant Classification Sherloc (09022015). Collection method: clinical testing. Allele origin: germline.
Comment: This sequence change creates a premature translational stop signal (p.Glu378*) in the CEP135 gene. It is expected to result in an absent or disrupted protein product. Loss-of-function variants in CEP135 are known to be pathogenic (PMID: 22521416, 26657937). This variant is not present in population databases (gnomAD no frequency). This variant has not been reported in the literature in individuals affected with CEP135-related conditions. ClinVar contains an entry for this variant (Variation ID: 1456336). For these reasons, this variant has been classified as Pathogenic.

Literature cited by the submitters: PubMed 22521416; PubMed 26657937.

NM_025009.5(CEP135):c.1132G>T (p.Glu378Ter)

Gene: CEP135 (centrosomal protein 135; plus strand). Cytogenetic location: 4q12.
Variant type: single nucleotide variant.
Coding change: c.1132G>T on transcript NM_025009.5 (MANE Select); coding-DNA position 1132, G replaced by T.
Protein change: p.Glu378Ter; replaces glutamic acid 378 with a stop codon.
Molecular consequence: nonsense.
Genome position (GRCh38, 1-based): chr4:55,971,291, G>T. VCF-style: chr4-55971291-G-T. GRCh37 (hg19) VCF-style: chr4-56837457-G-T.
Other names: short protein forms E378*.
Identifiers: ClinVar variation 1456336 (VCV001456336.6), dbSNP rs1729018168, ClinGen allele CA356981404.
Genomic context (GRCh38, chr4:55,971,291, plus strand): 5'-AGTTGTTAGAAATCTTAATTATAGTATTAAAATTTGCAGGAATTGAACTTATGCCAGAAA[G>T]AAAAGGAGAGACTGAGTGATGAACTCCTTGTAAAATCAGACCTAGAAACTGTTGTTCATC-3'